The following is an entry in ClinVar:

ClinVar aggregate classification (germline): Uncertain significance. Review status: criteria provided, multiple submitters, no conflicts (2 of 4 stars). 4 submissions from 4 submitters: Uncertain significance (3). 1 of the submissions does not count toward it. Last evaluated 2025-09-25.

Conditions:
Becker muscular dystrophy (BMD). Also called: MUSCULAR DYSTROPHY, PSEUDOHYPERTROPHIC PROGRESSIVE, BECKER TYPE; Becker Muscular Dystrophy (BMD). Identifiers: Orphanet 98895, MedGen C0917713, MONDO:0010311, OMIM 300376.
Cardiomyopathy (CMYO). Also called: Cardiomyopathies. Identifiers: Orphanet 167848, MedGen C0878544, MONDO:0004994, HP:0001638. Inheritance: Various modes of inheritance.
Duchenne muscular dystrophy (DMD). Also called: MUSCULAR DYSTROPHY, PSEUDOHYPERTROPHIC PROGRESSIVE, DUCHENNE TYPE; Duchenne Muscular Dystrophy (DMD). Identifiers: Orphanet 98896, MedGen C0013264, MONDO:0010679, OMIM 310200.
Dystrophin deficiency.

Submissions (4):

Women's Health and Genetics/Laboratory Corporation of America, LabCorp
Classification: Uncertain significance. Last evaluated: 2025-09-25. Review status: criteria provided, single submitter. Criteria: LabCorp Variant Classification Summary - May 2015. Collection method: clinical testing. Allele origin: germline.
Comment: Variant summary: DMD c.187-10_187-6delTTGTT alters a nucleotide located at a position not widely known to affect splicing. Several computational tools predict a significant impact on normal splicing: Two predict the variant no significant impact on splicing. Two predict the variant weakens a 5' donor site. However, these predictions have yet to be confirmed by functional studies. The variant was absent in 183193 control chromosomes (gnomAD). The available data on variant occurrences in the general population are insufficient to allow any conclusion about variant significance. c.187-10_187-6delTTGTT has been reported in the literature in an individual affected with Duchenne- or Becker muscular dystrophy without evidence for causality (Okubo_2016). This report does not provide unequivocal conclusions about association of the variant with Dystrophinopathies. To our knowledge, no experimental evidence demonstrating an impact on protein function has been reported. The following publication has been ascertained in the context of this evaluation (PMID: 26911353). ClinVar contains an entry for this variant (Variation ID: 455872). Based on the evidence outlined above, the variant was classified as uncertain significance.

Labcorp Genetics (formerly Invitae), Labcorp
Classification: Uncertain significance for Duchenne muscular dystrophy. Last evaluated: 2022-08-23. Review status: criteria provided, single submitter. Criteria: Invitae Variant Classification Sherloc (09022015). Collection method: clinical testing. Allele origin: germline.
Comment: This sequence change falls in intron 3 of the DMD gene. It does not directly change the encoded amino acid sequence of the DMD protein. It affects a nucleotide within the consensus splice site. This variant is not present in population databases (gnomAD no frequency). This variant has been observed in individual(s) with DMD-related muscular dystrophy (PMID: 26911353). ClinVar contains an entry for this variant (Variation ID: 455872). Variants that disrupt the consensus splice site are a relatively common cause of aberrant splicing (PMID: 17576681, 9536098). Algorithms developed to predict the effect of sequence changes on RNA splicing suggest that this variant may disrupt the consensus splice site. In summary, the available evidence is currently insufficient to determine the role of this variant in disease. Therefore, it has been classified as a Variant of Uncertain Significance.

GeneDx
Classification: Uncertain significance. Last evaluated: 2020-09-30. Review status: criteria provided, single submitter. Criteria: GeneDx Variant Classification Process June 2021. Collection method: clinical testing. Allele origin: germline. Affected: yes.
Comment: Reported in a patient referred for Duchenne or Becker muscular dystrophy genetic testing (Okubo et al., 2016); however, additional clinical information was not provided; Reported in ClinVar as a variant of uncertain significance (ClinVar Variant ID# 455872; Landrum et al., 2016); Not observed in large population cohorts (Lek et al., 2016); In-silico analysis, which includes splice predictors and evolutionary conservation, is inconclusive as to whether the variant alters gene splicing. In the absence of RNA/functional studies, the actual effect of this sequence change is unknown.; This variant is associated with the following publications: (PMID: 26911353)

Natera, Inc.
Classification: Uncertain significance for Becker muscular dystrophy; Cardiomyopathy; Duchenne muscular dystrophy; Dystrophin deficiency. Last evaluated: 2020-01-13. Review status: no assertion criteria provided. Collection method: clinical testing. Allele origin: germline. Not counted in ClinVar's aggregate classification.

Literature cited by the submitters: PubMed 26911353 (cited by Women's Health and Genetics/Laboratory Corporation of America, LabCorp and Labcorp Genetics (formerly Invitae), Labcorp); PubMed 17576681 (cited by Labcorp Genetics (formerly Invitae), Labcorp); PubMed 9536098 (cited by Labcorp Genetics (formerly Invitae), Labcorp).

NM_004006.3(DMD):c.187-10_187-6del

Gene: DMD (dystrophin; minus strand). Cytogenetic location: Xp21.1.
Variant type: Microsatellite.
Coding change: c.187-10_187-6del on transcript NM_004006.3 (MANE Select); 10 bases into the intron before coding-DNA position 187 through 6 bases into the intron before coding-DNA position 187, 5 bases deleted (TTGTT; older notation c.187-10_187-6delTTGTT).
Molecular consequence: intron variant.
Genome position (GRCh38, 1-based): chrX:32,844,866-32,844,870, AACAA deleted on the plus strand (TTGTT on the coding strand, the reverse complement: DMD is on the minus strand); deleting any 5 consecutive bases within chrX:32,844,866-32,844,877 gives the same sequence; the c. name uses the placement nearest the transcript's 3' end. VCF-style (leftmost placement, unchanged base first): chrX-32844865-GAACAA-G. GRCh37 (hg19) VCF-style: chrX-32862982-GAACAA-G.
Other names: c.163-10_163-6del (NM_000109.4); c.175-10_175-6del (NM_004009.3); c.-183-10_-183-6del (NM_004010.3); c.187-10_187-6delTTGTT (NM_004006.3, NM_004006.2).
Identifiers: ClinVar variation 455872 (VCV000455872.8), dbSNP rs1557079581, ClinGen allele CA658658970.
Genomic context (GRCh38, chrX:32,844,865, plus strand): 5'-AGTGCCTTGTTGACATTGTTCAGGGCATGAACTCTTGTGGATCCTTTTTCTTTTGGCTGA[GAACAA>G]AACAAAAGAGTGTTCACTGACCAGCAGAGAGACCGACAATCTACTAGAAATGAAACCATT-3'